The following is an entry in ClinVar:

ClinVar aggregate classification (germline): Likely benign (0 of 4 stars; one submission).

Conditions:
SEMA3G-related disorder. Also called: SEMA3G-related condition.

Submission:

PreventionGenetics, part of Exact Sciences
Classification: Likely benign for SEMA3G-related condition. Last evaluated: 2022-02-02. Review status: no assertion criteria provided. Collection method: clinical testing. Allele origin: germline.
Comment: This variant is classified as likely benign based on ACMG/AMP sequence variant interpretation guidelines (Richards et al. 2015 PMID: 25741868, with internal and published modifications).

NM_020163.3(SEMA3G):c.381C>A (p.Asn127Lys)

Gene: SEMA3G (semaphorin 3G; minus strand). Cytogenetic location: 3p21.1.
Variant type: single nucleotide variant.
Coding change: c.381C>A on transcript NM_020163.3 (MANE Select); coding-DNA position 381, C replaced by A.
Protein change: p.Asn127Lys; replaces asparagine 127 with lysine.
Molecular consequence: missense variant.
Genome position (GRCh38, 1-based): chr3:52,442,263, G>T on the plus strand (C>A on the coding strand, the complement: SEMA3G is on the minus strand). VCF-style: chr3-52442263-G-T. GRCh37 (hg19) VCF-style: chr3-52476279-G-T.
Other names: short protein forms N127K.
Identifiers: ClinVar variation 3351713 (VCV003351713.1).